The following is an entry in ClinVar:

NM_004423.4(DVL3):c.1673A>G (p.Tyr558Cys)

Gene: DVL3 (dishevelled segment polarity protein 3; plus strand). Cytogenetic location: 3q27.1.
Variant type: single nucleotide variant.
Coding change: c.1673A>G on transcript NM_004423.4 (MANE Select); coding-DNA position 1673, A replaced by G.
Protein change: p.Tyr558Cys; replaces tyrosine 558 with cysteine.
Molecular consequence: missense variant.
Genome position (GRCh38, 1-based): chr3:184,170,180, A>G. VCF-style: chr3-184170180-A-G. GRCh37 (hg19) VCF-style: chr3-183887968-A-G.
Other names: short protein forms Y558C.
Identifiers: ClinVar variation 4740105 (VCV004740105.1).
Genomic context (GRCh38, chr3:184,170,180, plus strand): 5'-ACCAGTACCCGCCACCCCCGCACCCATACAACCCGCACCCGGGCTTCCCGGAGCTGGGCT[A>G]CAGCTACGGCGGGGGCAGCGCCAGCAGTCAGCACAGCGAAGGTAAGGTAGAGGGGCCGTG-3'
Protein context (NP_004414.3, residues 548-568): NPHPGFPELG[Tyr558Cys]SYGGGSASSQ

ClinVar aggregate classification (germline): Uncertain significance (1 of 4 stars; one submission).

Submission:

Labcorp Genetics (formerly Invitae), Labcorp
Classification: Uncertain significance. Last evaluated: 2025-04-22. Review status: criteria provided, single submitter. Criteria: Invitae Variant Classification Sherloc (09022015). Collection method: clinical testing. Allele origin: germline.
Comment: This sequence change replaces tyrosine, which is neutral and polar, with cysteine, which is neutral and slightly polar, at codon 558 of the DVL3 protein (p.Tyr558Cys). This variant is present in population databases (rs775359665, gnomAD 0.0009%). This variant has not been reported in the literature in individuals affected with DVL3-related conditions. Invitae Evidence Modeling of protein sequence and biophysical properties (such as structural, functional, and spatial information, amino acid conservation, physicochemical variation, residue mobility, and thermodynamic stability) indicates that this missense variant is not expected to disrupt DVL3 protein function with a negative predictive value of 80%. In summary, the available evidence is currently insufficient to determine the role of this variant in disease. Therefore, it has been classified as a Variant of Uncertain Significance.